The following is an entry in ClinVar:

ClinVar aggregate classification (germline): Uncertain significance (1 of 4 stars; one submission).

Conditions:
Familial cold autoinflammatory syndrome 2 (FCAS2). Identifiers: Orphanet 247868, MedGen C2673198, MONDO:0012724, OMIM 611762.

Submission:

Labcorp Genetics (formerly Invitae), Labcorp
Classification: Uncertain significance for Familial cold autoinflammatory syndrome 2. Last evaluated: 2025-02-09. Review status: criteria provided, single submitter. Criteria: Invitae Variant Classification Sherloc (09022015). Collection method: clinical testing. Allele origin: germline.
Comment: This sequence change replaces alanine, which is neutral and non-polar, with serine, which is neutral and polar, at codon 877 of the NLRP12 protein (p.Ala877Ser). Information on the frequency of this variant in the gnomAD database is not available, as this variant may be reported differently in the database. This variant has not been reported in the literature in individuals affected with NLRP12-related conditions. ClinVar contains an entry for this variant (Variation ID: 1934188). Experimental studies and prediction algorithms are not available or were not evaluated, and the functional significance of this variant is currently unknown. In summary, the available evidence is currently insufficient to determine the role of this variant in disease. Therefore, it has been classified as a Variant of Uncertain Significance.

NM_144687.4(NLRP12):c.2628_2629delinsTT (p.Ala877Ser)

Gene: NLRP12 (NLR family pyrin domain containing 12; minus strand). Cytogenetic location: 19q13.42.
Variant type: Indel.
Coding change: c.2628_2629delinsTT on transcript NM_144687.4 (MANE Select); coding-DNA positions 2628 to 2629, GG replaced by TT.
Protein change: p.Ala877Ser; replaces alanine 877 with serine.
Molecular consequence: missense variant.
Genome position (GRCh38, 1-based): chr19:53,801,354-53,801,355, CC replaced by AA on the plus strand (GG replaced by TT on the coding strand, the reverse complement: NLRP12 is on the minus strand). VCF-style: chr19-53801354-CC-AA. GRCh37 (hg19) VCF-style: chr19-54304608-CC-AA.
Other names: c.2631_2632delinsTT, p.Ala878Ser (NM_001277126.2); c.2628_2629delinsTT, p.Ala877Ser (NM_001277129.1); short protein forms A878S, A877S.
Identifiers: ClinVar variation 1934188 (VCV001934188.5), dbSNP rs2514257112, ClinGen allele CA2580097751.
Genomic context (GRCh38, chr19:53,801,354, plus strand): 5'-CCAGCTCATTCAGGCTCAGGTCCAGCTCTCTCAGGCTCTGGTTCACACTGAGAGTTGAGG[CC>AA]AGCTCGTCACAGGCAGCAGCAGTGAGGCGGCAGATCTTCAGCCTGCACAAAGTCCAATTC-3'
Protein context (NP_653288.1, residues 867-887): RLTAAACDEL[Ala877Ser]STLSVNQSLR